The following is an entry in ClinVar:

ClinVar aggregate classification (germline): Pathogenic (1 of 4 stars; one submission).

Conditions:
Neurofibromatosis, type 1 (NF1). Also called: VON RECKLINGHAUSEN DISEASE; NEUROFIBROMATOSIS, TYPE I, SOMATIC; Peripheral type neurofibromatosis; Neurofibromatosis, type I. Identifiers: Orphanet 636, MedGen C0027831, MONDO:0018975, OMIM 162200. Disease mechanism: loss of function.

Submission:

Labcorp Genetics (formerly Invitae), Labcorp
Classification: Pathogenic for Neurofibromatosis, type 1. Last evaluated: 2024-09-24. Review status: criteria provided, single submitter. Criteria: Invitae Variant Classification Sherloc (09022015). Collection method: clinical testing. Allele origin: germline.
Comment: This sequence change creates a premature translational stop signal (p.Met1180Trpfs*4) in the NF1 gene. It is expected to result in an absent or disrupted protein product. Loss-of-function variants in NF1 are known to be pathogenic (PMID: 10712197, 23913538). This variant is not present in population databases (gnomAD no frequency). This variant has not been reported in the literature in individuals affected with NF1-related conditions. For these reasons, this variant has been classified as Pathogenic.

Literature cited by the submitters: PubMed 10712197; PubMed 23913538.

NM_001042492.3(NF1):c.3538del (p.Met1180fs)

Gene: NF1 (neurofibromin 1; plus strand). Cytogenetic location: 17q11.2.
Variant type: Deletion.
Coding change: c.3538del on transcript NM_001042492.3 (MANE Select); coding-DNA position 3538, one base deleted (A; older notation c.3538delA).
Protein change: p.Met1180fs; shifts the reading frame from methionine 1180.
Molecular consequence: frameshift variant.
Genome position (GRCh38, 1-based): chr17:31,233,043, A deleted. VCF-style (leftmost placement, unchanged base first): chr17-31233042-TA-T. GRCh37 (hg19) VCF-style: chr17-29560060-TA-T.
Other names: c.3538delA, p.Met1180Trpfs (NM_000267.4); short protein forms M1180fs.
Identifiers: ClinVar variation 3721463 (VCV003721463.2).